The following is an entry in ClinVar:

NM_001349338.3(FOXP1):c.1601G>A (p.Trp534Ter)

Gene: FOXP1 (forkhead box P1; minus strand). Cytogenetic location: 3p13.
Variant type: single nucleotide variant.
Coding change: c.1601G>A on transcript NM_001349338.3 (MANE Select); coding-DNA position 1601, G replaced by A.
Protein change: p.Trp534Ter; replaces tryptophan 534 with a stop codon.
Molecular consequence: nonsense. On other transcripts: non-coding transcript variant (2), intron variant (1).
Genome position (GRCh38, 1-based): chr3:70,972,606, C>T on the plus strand (G>A on the coding strand, the complement: FOXP1 is on the minus strand). VCF-style: chr3-70972606-C-T. GRCh37 (hg19) VCF-style: chr3-71021757-C-T.
Other names: c.1598G>A, p.Trp533Ter (NM_001244808.3, NM_001349341.3); c.1373G>A, p.Trp458Ter (NM_001244812.3); c.1301G>A, p.Trp434Ter (NM_001244813.3, NM_001244815.2, NM_001349342.3); c.1601G>A, p.Trp534Ter (NM_001244814.3, NM_001244816.2, NM_001349340.3 and 1 more transcripts); c.1298G>A, p.Trp433Ter (NM_001349337.2, NM_001349343.3, NM_001349344.3 and 1 more transcripts); c.1531-426G>A (NM_001244810.2); short protein forms W433*, W434*, W458*, W533*, W534*.
Identifiers: ClinVar variation 3382321 (VCV003382321.2).
Genomic context (GRCh38, chr3:70,972,606, plus strand): 5'-TGGACGTACCCACTGATCTTTTGTGGCCTTCGTTTTTGGAATTCTACTTCATCCACTGTC[C>T]ATACTGCCCCTTTAACGTTTTCTACTCGCACAAAACACTTGTGAAGACTAAGATTATGAC-3'

ClinVar aggregate classification (germline): Likely pathogenic (1 of 4 stars; one submission).

Conditions:
Intellectual disability-severe speech delay-mild dysmorphism syndrome (IDDLA). Also called: Intellectual developmental disorder with language impairment AND with or without autistic features; FOXP1 Syndrome; Mental retardation with language impairment and autistic features. Identifiers: Orphanet 391372, MedGen C4013764, MONDO:0013352, OMIM 613670.

Submission:

Juno Genomics, Hangzhou Juno Genomics, Inc
Classification: Likely pathogenic for Intellectual disability-severe speech delay-mild dysmorphism syndrome. Review status: criteria provided, single submitter. Criteria: ACMG Guidelines, 2015. Collection method: clinical testing. Allele origin: germline. Affected: yes.
Comment: Absent from controls (or at extremely low frequency if recessive) in Genome Aggregation Database, Exome Sequencing Project, 1000 Genomes Project, or Exome Aggregation Consortium.;Null variant in a gene where loss of function (LOF) is a known mechanism of disease.